The following is an entry in ClinVar:

ClinVar aggregate classification (germline): Uncertain significance. Review status: criteria provided, multiple submitters, no conflicts (2 of 4 stars). 2 submissions from 2 submitters: Uncertain significance (2). Last evaluated 2024-04-02.

Allele frequency attached by ClinVar (database versions not stated): gnomAD 0.00001; gnomAD exomes 0.00001; TOPMed 0.00001.

Submissions (2):

Blueprint Genetics
Classification: Uncertain significance. Last evaluated: 2024-04-02. Review status: criteria provided, single submitter. Criteria: ACMG Guidelines, 2015. Collection method: clinical testing. Allele origin: germline.

Labcorp Genetics (formerly Invitae), Labcorp
Classification: Uncertain significance. Last evaluated: 2023-12-30. Review status: criteria provided, single submitter. Criteria: Invitae Variant Classification Sherloc (09022015). Collection method: clinical testing. Allele origin: germline.
Comment: This sequence change replaces tyrosine, which is neutral and polar, with cysteine, which is neutral and slightly polar, at codon 713 of the KCNC3 protein (p.Tyr713Cys). This variant is not present in population databases (gnomAD no frequency). This variant has not been reported in the literature in individuals affected with KCNC3-related conditions. Advanced modeling of protein sequence and biophysical properties (such as structural, functional, and spatial information, amino acid conservation, physicochemical variation, residue mobility, and thermodynamic stability) performed at Invitae indicates that this missense variant is expected to disrupt KCNC3 protein function with a positive predictive value of 95%. In summary, the available evidence is currently insufficient to determine the role of this variant in disease. Therefore, it has been classified as a Variant of Uncertain Significance.

NM_004977.3(KCNC3):c.2138A>G (p.Tyr713Cys)

Gene: KCNC3 (potassium voltage-gated channel subfamily C member 3; minus strand). Cytogenetic location: 19q13.33.
Variant type: single nucleotide variant.
Coding change: c.2138A>G on transcript NM_004977.3 (MANE Select); coding-DNA position 2138, A replaced by G.
Protein change: p.Tyr713Cys; replaces tyrosine 713 with cysteine.
Molecular consequence: missense variant. On other transcripts: non-coding transcript variant (1).
Genome position (GRCh38, 1-based): chr19:50,320,625, T>C on the plus strand (A>G on the coding strand, the complement: KCNC3 is on the minus strand). VCF-style: chr19-50320625-T-C. GRCh37 (hg19) VCF-style: chr19-50823882-T-C.
Other names: c.1910A>G, p.Tyr637Cys (NM_001372305.1); short protein forms Y637C, Y713C.
Identifiers: ClinVar variation 2973892 (VCV002973892.4), dbSNP rs1340125656, ClinGen allele CA406968466.